The following is an entry in ClinVar:

NM_005732.4(RAD50):c.3355A>G (p.Lys1119Glu)

Gene: RAD50 (RAD50 double strand break repair protein; plus strand). Cytogenetic location: 5q31.1.
Variant type: single nucleotide variant.
Coding change: c.3355A>G on transcript NM_005732.4 (MANE Select); coding-DNA position 3355, A replaced by G.
Protein change: p.Lys1119Glu; replaces lysine 1119 with glutamic acid.
Molecular consequence: missense variant.
Genome position (GRCh38, 1-based): chr5:132,618,260, A>G. VCF-style: chr5-132618260-A-G. GRCh37 (hg19) VCF-style: chr5-131953952-A-G.
Other names: short protein forms K1119E.
Identifiers: ClinVar variation 568942 (VCV000568942.10), dbSNP rs1561650943, ClinGen allele CA360964973.

ClinVar aggregate classification (germline): Uncertain significance. Review status: criteria provided, multiple submitters, no conflicts (2 of 4 stars). 2 submissions from 2 submitters: Uncertain significance (2). Last evaluated 2024-05-24.

Conditions:
Hereditary cancer-predisposing syndrome. Also called: Neoplastic Syndromes, Hereditary; Tumor predisposition; Hereditary neoplastic syndrome; Hereditary Cancer Syndrome. Identifiers: Orphanet 140162, MedGen C0027672, MeSH D009386, MONDO:0015356.

Submissions (2):

Ambry Genetics
Classification: Uncertain significance for Hereditary cancer-predisposing syndrome. Last evaluated: 2024-05-24. Review status: criteria provided, single submitter. Criteria: Ambry Variant Classification Scheme 2023. Collection method: clinical testing. Allele origin: germline.
Comment: The p.K1119E variant (also known as c.3355A>G), located in coding exon 21 of the RAD50 gene, results from an A to G substitution at nucleotide position 3355. The lysine at codon 1119 is replaced by glutamic acid, an amino acid with similar properties. This amino acid position is conserved. In addition, this alteration is predicted to be deleterious by in silico analysis. Since supporting evidence is limited at this time, the clinical significance of this alteration remains unclear.

Labcorp Genetics (formerly Invitae), Labcorp
Classification: Uncertain significance for Hereditary cancer-predisposing syndrome. Last evaluated: 2023-06-24. Review status: criteria provided, single submitter. Criteria: Invitae Variant Classification Sherloc (09022015). Collection method: clinical testing. Allele origin: germline.
Comment: This variant is not present in population databases (gnomAD no frequency). In summary, the available evidence is currently insufficient to determine the role of this variant in disease. Therefore, it has been classified as a Variant of Uncertain Significance. Advanced modeling of protein sequence and biophysical properties (such as structural, functional, and spatial information, amino acid conservation, physicochemical variation, residue mobility, and thermodynamic stability) performed at Invitae indicates that this missense variant is not expected to disrupt RAD50 protein function. ClinVar contains an entry for this variant (Variation ID: 568942). This variant has not been reported in the literature in individuals affected with RAD50-related conditions. This sequence change replaces lysine, which is basic and polar, with glutamic acid, which is acidic and polar, at codon 1119 of the RAD50 protein (p.Lys1119Glu).